The following is an entry in ClinVar:

NM_177438.3(DICER1):c.4462del (p.Ser1488fs)

Gene: DICER1 (dicer 1, ribonuclease III; minus strand). Cytogenetic location: 14q32.13.
Variant type: Deletion.
Coding change: c.4462del on transcript NM_177438.3 (MANE Select); coding-DNA position 4462, one base deleted (T; older notation c.4462delT).
Protein change: p.Ser1488fs; shifts the reading frame from serine 1488.
Molecular consequence: frameshift variant.
Genome position (GRCh38, 1-based): chr14:95,096,458, A deleted on the plus strand (T on the coding strand, the reverse complement: DICER1 is on the minus strand). VCF-style (leftmost placement, unchanged base first): chr14-95096457-GA-G. GRCh37 (hg19) VCF-style: chr14-95562794-GA-G.
Other names: c.4462del, p.Ser1488fs (NM_001195573.1, NM_001271282.3, NM_001291628.2 and 1 more transcripts); short protein forms S1488fs.
Identifiers: ClinVar variation 1452701 (VCV001452701.7), dbSNP rs2139849996, ClinGen allele CA2573150299.

ClinVar aggregate classification (germline): Pathogenic (1 of 4 stars; one submission).

Conditions:
DICER1-related tumor predisposition. Also called: DICER1 syndrome; DICER1-related pleuropulmonary blastoma cancer predisposition syndrome. Identifiers: Orphanet 284343, MedGen C3839822, MONDO:0100216.

Submission:

Labcorp Genetics (formerly Invitae), Labcorp
Classification: Pathogenic for DICER1-related tumor predisposition. Last evaluated: 2020-12-07. Review status: criteria provided, single submitter. Criteria: Invitae Variant Classification Sherloc (09022015). Collection method: clinical testing. Allele origin: germline.
Comment: This sequence change creates a premature translational stop signal (p.Ser1488Profs*2) in the DICER1 gene. It is expected to result in an absent or disrupted protein product. Loss-of-function variants in DICER1 are known to be pathogenic (PMID: 19556464, 21266384). This variant is not present in population databases (ExAC no frequency). This variant has not been reported in the literature in individuals with DICER1-related conditions. For these reasons, this variant has been classified as Pathogenic.

Literature cited by the submitters: PubMed 19556464; PubMed 21266384.